The following is an entry in ClinVar:

ClinVar aggregate classification (germline): Likely benign. Review status: criteria provided, multiple submitters, no conflicts (2 of 4 stars). 2 submissions from 2 submitters: Likely benign (2). Last evaluated 2024-07-03.

Allele frequency attached by ClinVar (database versions not stated): gnomAD 0.00001; TOPMed 0.00001; gnomAD exomes 0.00002; ExAC 0.00007.
gnomAD v4.1: 36 of 1,540,666 alleles (0.0023%); highest among the groups gnomAD compares: Middle Eastern, 0.018%; no homozygotes.

Submissions (2):

Blueprint Genetics
Classification: Likely benign. Last evaluated: 2024-07-03. Review status: criteria provided, single submitter. Criteria: ACMG Guidelines, 2015. Collection method: clinical testing. Allele origin: germline.

CeGaT Center for Human Genetics Tuebingen
Classification: Likely benign. Last evaluated: 2024-01-01. Review status: criteria provided, single submitter. Criteria: CeGaT Center For Human Genetics Tuebingen Variant Classification Criteria Version 2. Collection method: clinical testing. Allele origin: germline. Affected: yes. Observed: 1 variant allele.
Comment: HYDIN: BP4, BP7

NM_001270974.2(HYDIN):c.4866T>C (p.Phe1622=)

Gene: HYDIN (HYDIN axonemal central pair apparatus protein; minus strand). Cytogenetic location: 16q22.2.
Variant type: single nucleotide variant.
Coding change: c.4866T>C on transcript NM_001270974.2 (MANE Select); coding-DNA position 4866, T replaced by C.
Protein change: p.Phe1622=; no amino-acid change (phenylalanine 1622 retained).
Molecular consequence: synonymous variant.
Genome position (GRCh38, 1-based): chr16:70,974,577, A>G on the plus strand (T>C on the coding strand, the complement: HYDIN is on the minus strand). VCF-style: chr16-70974577-A-G. GRCh37 (hg19) VCF-style: chr16-71008480-A-G.
Identifiers: ClinVar variation 3026377 (VCV003026377.23), dbSNP rs758028170, ClinGen allele CA8150640.
Genomic context (GRCh38, chr16:70,974,577, plus strand): 5'-CTCCCCAGCCTGGGTACCTGTCTCATGAAGGACACGCTTGTCTGCATGGAATGACACTGG[A>G]AAGTGACTGGTGTTGATGATCTTGATGATGTGGGTTCGGACTTCGCCAAGGATGATGTAG-3'
Protein context (NP_001257903.1, residues 1612-1632): HIIKIINTSH[Phe1622=]PVSFHADKRV